The following is an entry in ClinVar:

NM_000096.4(CP):c.1548C>T (p.Thr516=)

Gene: CP (ceruloplasmin; minus strand). Cytogenetic location: 3q24.
Variant type: single nucleotide variant.
Coding change: c.1548C>T on transcript NM_000096.4 (MANE Select); coding-DNA position 1548, C replaced by T.
Protein change: p.Thr516=; no amino-acid change (threonine 516 retained).
Molecular consequence: synonymous variant. On other transcripts: non-coding transcript variant (1).
Genome position (GRCh38, 1-based): chr3:149,198,532, G>A on the plus strand (C>T on the coding strand, the complement: CP is on the minus strand). VCF-style: chr3-149198532-G-A. GRCh37 (hg19) VCF-style: chr3-148916319-G-A.
Identifiers: ClinVar variation 1575643 (VCV001575643.36), dbSNP rs184516720, ClinGen allele CA2660964.
Genomic context (GRCh38, chr3:149,198,532, plus strand): 5'-AGCTAGACACACAGGATCTGCATTAGTGGGTCCTACTTCTTTGGGGACAGTCCATTCATA[G>A]GTGAATGTTTCTGTGGGTGCCACATGGGAGGCTGAAGGAGGCACACCTGTGAGAAAGGTC-3'
Protein context (NP_000087.2, residues 506-526): ASHVAPTETF[Thr516=]YEWTVPKEVG

ClinVar aggregate classification (germline): Likely benign. Review status: criteria provided, multiple submitters, no conflicts (2 of 4 stars). 2 submissions from 2 submitters: Likely benign (2). Last evaluated 2024-04-17.

Conditions:
Deficiency of ferroxidase (ACEP). Also called: Aceruloplasminemia; Ceruloplasmin deficiency; Familial apoceruloplasmin deficiency; Hereditary ceruloplasmin deficiency; NEURODEGENERATION WITH BRAIN IRON ACCUMULATION 10; Deficiency of ceruloplasmin. Identifiers: Orphanet 48818, MedGen C0878682, MONDO:0011426, OMIM 604290, HP:0025498.

Allele frequency attached by ClinVar (database versions not stated): gnomAD exomes below 0.00001 and 0.00002; ExAC 0.00001; TOPMed 0.00004; gnomAD 0.00005 and 0.00006; ESP Exome Variant Server 0.00008.
gnomAD v4.1: 15 of 1,613,994 alleles (0.00093%); highest among the groups gnomAD compares: African/African-American, 0.016%; no homozygotes.

Submissions (2):

Labcorp Genetics (formerly Invitae), Labcorp
Classification: Likely benign for Deficiency of ferroxidase. Last evaluated: 2024-04-17. Review status: criteria provided, single submitter. Criteria: Invitae Variant Classification Sherloc (09022015). Collection method: clinical testing. Allele origin: germline.

CeGaT Center for Human Genetics Tuebingen
Classification: Likely benign. Last evaluated: 2023-02-01. Review status: criteria provided, single submitter. Criteria: CeGaT Center For Human Genetics Tuebingen Variant Classification Criteria Version 2. Collection method: clinical testing. Allele origin: germline. Affected: yes. Observed: 1 variant allele.
Comment: CP: BP4, BP7